The following is an entry in ClinVar:

NM_016373.4(WWOX):c.876T>G (p.Ala292=)

Gene: WWOX (WW domain containing oxidoreductase; plus strand). Cytogenetic location: 16q23.1.
Variant type: single nucleotide variant.
Coding change: c.876T>G on transcript NM_016373.4 (MANE Select); coding-DNA position 876, T replaced by G.
Protein change: p.Ala292=; no amino-acid change (alanine 292 retained).
Molecular consequence: synonymous variant.
Genome position (GRCh38, 1-based): chr16:78,432,572, T>G. VCF-style: chr16-78432572-T-G. GRCh37 (hg19) VCF-style: chr16-78466469-T-G.
Other names: c.537T>G, p.Ala179= (NM_001291997.2).
Identifiers: ClinVar variation 382683 (VCV000382683.43), dbSNP rs74030232, ClinGen allele CA8183531.

ClinVar aggregate classification (germline): Benign/Likely benign. Review status: criteria provided, multiple submitters, no conflicts (2 of 4 stars). 7 submissions from 6 submitters: Benign (3); Likely benign (4). Last evaluated 2026-01-26.

Conditions:
Developmental and epileptic encephalopathy, 28 (DEE28). Also called: Epileptic encephalopathy, early infantile, 28. Identifiers: Orphanet 442835, MedGen C4015519, MONDO:0014533, OMIM 616211.
Autosomal recessive spinocerebellar ataxia 12. Also called: SPINOCEREBELLAR ATAXIA WITH MENTAL RETARDATION AND EPILEPSY. Identifiers: Orphanet 284282, MedGen C3280452, MONDO:0013687, OMIM 614322.
Developmental and epileptic encephalopathy, 1 (DEE1). Also called: Epileptic encephalopathy, early infantile, 1; X-linked infantile spasms; West's syndrome; Tonic spasms with clustering, arrest of psychomotor development and hypsarrhythmia on EEG; X-Linked Infantile Spasm Syndrome; OHTAHARA SYNDROME, X-LINKED. Identifiers: MedGen C3463992, MONDO:0010632, OMIM 308350. Disease mechanism: loss of function.

Allele frequency attached by ClinVar (database versions not stated): TOPMed 0.00150; 1000 Genomes Project 30x 0.00156; 1000 Genomes Project 0.00140.
gnomAD v4.1: 455 of 1,614,208 alleles (0.028%); highest among the groups gnomAD compares: African/African-American, 0.51%; 1 homozygote.

Submissions (7):

Labcorp Genetics (formerly Invitae), Labcorp
Classification: Benign for Developmental and epileptic encephalopathy, 1; Autosomal recessive spinocerebellar ataxia 12. Last evaluated: 2026-01-26. Review status: criteria provided, single submitter. Criteria: Invitae Variant Classification Sherloc (09022015). Collection method: clinical testing. Allele origin: germline.

CeGaT Center for Human Genetics Tuebingen
Classification: Likely benign. Last evaluated: 2025-07-01. Review status: criteria provided, single submitter. Criteria: CeGaT Center For Human Genetics Tuebingen Variant Classification Criteria Version 2. Collection method: clinical testing. Allele origin: germline. Affected: yes. Observed: 2 variant alleles.
Comment: WWOX: BP4, BP7

Blueprint Genetics
Classification: Likely benign. Last evaluated: 2024-10-09. Review status: criteria provided, single submitter. Criteria: ACMG Guidelines, 2015. Collection method: clinical testing. Allele origin: germline.

Genome-Nilou Lab
Classification: Benign for Developmental and epileptic encephalopathy, 28. Last evaluated: 2021-12-05. Review status: criteria provided, single submitter. Criteria: ACMG Guidelines, 2015. Collection method: clinical testing. Allele origin: germline. Affected: no.

Genome-Nilou Lab
Classification: Benign for Autosomal recessive spinocerebellar ataxia 12. Last evaluated: 2021-12-05. Review status: criteria provided, single submitter. Criteria: ACMG Guidelines, 2015. Collection method: clinical testing. Allele origin: germline. Affected: no.

GeneDx
Classification: Likely benign. Last evaluated: 2021-05-19. Review status: criteria provided, single submitter. Criteria: GeneDx Variant Classification Process June 2021. Collection method: clinical testing. Allele origin: germline. Affected: yes.

Genetic Services Laboratory, University of Chicago
Classification: Likely benign. Last evaluated: 2017-04-24. Review status: criteria provided, single submitter. Criteria: ACMG Guidelines, 2015. Collection method: clinical testing. Allele origin: germline. Affected: no.